The following is an entry in ClinVar:

ClinVar aggregate classification (germline): Uncertain significance (1 of 4 stars; one submission).

Conditions:
Holoprosencephaly 9 (HPE9). Also called: PITUITARY ANOMALIES WITH HOLOPROSENCEPHALY-LIKE FEATURES; HOLOPROSENCEPHALY WITH MICROPHTHALMIA AND FIRST BRANCHIAL ARCH ANOMALIES. Identifiers: Orphanet 2162, MedGen C1835819, MONDO:0012563, OMIM 610829.

Submission:

Centre for Mendelian Genomics, University Medical Centre Ljubljana
Classification: Uncertain significance for Holoprosencephaly 9. Last evaluated: 2018-10-10. Review status: criteria provided, single submitter. Criteria: ACMG Guidelines, 2015. Collection method: clinical testing. Allele origin: unknown. Affected: yes.
Comment: This variant was classified as: Uncertain significance. The available evidence on this variant's pathogenicity is insufficient or conflicting. The following ACMG criteria were applied in classifying this variant: PM2,PP3.

NM_001374353.1(GLI2):c.4291T>C (p.Tyr1431His)

Gene: GLI2 (GLI family zinc finger 2; plus strand). Cytogenetic location: 2q14.2.
Variant type: single nucleotide variant.
Coding change: c.4291T>C on transcript NM_001374353.1 (MANE Select); coding-DNA position 4291, T replaced by C.
Protein change: p.Tyr1431His; replaces tyrosine 1431 with histidine.
Molecular consequence: missense variant.
Genome position (GRCh38, 1-based): chr2:120,990,256, T>C. VCF-style: chr2-120990256-T-C. GRCh37 (hg19) VCF-style: chr2-121747832-T-C.
Other names: c.4342T>C, p.Tyr1448His (NM_001371271.1, NM_005270.5); c.3916T>C, p.Tyr1306His (NM_001374354.1); short protein forms Y1306H, Y1448H, Y1431H.
Identifiers: ClinVar variation 931811 (VCV000931811.3), dbSNP rs1683228767, ClinGen allele CA348179359.